The following is an entry in ClinVar:

NM_007373.4(SHOC2):c.1490C>T (p.Thr497Ile)

Gene: SHOC2 (SHOC2 leucine rich repeat scaffold protein; plus strand). Cytogenetic location: 10q25.2.
Variant type: single nucleotide variant.
Coding change: c.1490C>T on transcript NM_007373.4 (MANE Select); coding-DNA position 1490, C replaced by T.
Protein change: p.Thr497Ile; replaces threonine 497 with isoleucine.
Molecular consequence: missense variant. On other transcripts: non-coding transcript variant (1), intron variant (1).
Genome position (GRCh38, 1-based): chr10:111,009,780, C>T. VCF-style: chr10-111009780-C-T. GRCh37 (hg19) VCF-style: chr10-112769538-C-T.
Other names: c.1352C>T, p.Thr451Ile (NM_001269039.3, NM_001441186.1); c.1490C>T, p.Thr497Ile (NM_001324336.2, NM_001324337.2, NM_001441184.1 and 1 more transcripts); c.821C>T, p.Thr274Ile (NM_001441188.1); c.407C>T, p.Thr136Ile (NM_001441189.1, NM_001441190.1, NM_001441191.1); c.1422+395C>T (NM_001441187.1); short protein forms T274I, T497I, T136I, T451I.
Identifiers: ClinVar variation 4742729 (VCV004742729.1).

ClinVar aggregate classification (germline): Uncertain significance (1 of 4 stars; one submission).

Conditions:
RASopathy. Also called: rasopathies; Noonan spectrum disorder. Identifiers: Orphanet 536391, MedGen C5555857, MONDO:0021060.

gnomAD v4.1: 1 of 1,613,262 alleles (0.000062%); highest among the groups gnomAD compares: Non-Finnish European, 0.000085%; no homozygotes.

Submission:

Labcorp Genetics (formerly Invitae), Labcorp
Classification: Uncertain significance for RASopathy. Last evaluated: 2025-04-11. Review status: criteria provided, single submitter. Criteria: Invitae Variant Classification Sherloc (09022015). Collection method: clinical testing. Allele origin: germline.
Comment: This sequence change replaces threonine, which is neutral and polar, with isoleucine, which is neutral and non-polar, at codon 497 of the SHOC2 protein (p.Thr497Ile). This variant is not present in population databases (gnomAD no frequency). This variant has not been reported in the literature in individuals affected with SHOC2-related conditions. Invitae Evidence Modeling of protein sequence and biophysical properties (such as structural, functional, and spatial information, amino acid conservation, physicochemical variation, residue mobility, and thermodynamic stability) indicates that this missense variant is not expected to disrupt SHOC2 protein function with a negative predictive value of 80%. In summary, the available evidence is currently insufficient to determine the role of this variant in disease. Therefore, it has been classified as a Variant of Uncertain Significance.